The following is an entry in ClinVar:

ClinVar aggregate classification (germline): Uncertain significance (1 of 4 stars; one submission).

Conditions:
Emery-Dreifuss muscular dystrophy 5, autosomal dominant (EDMD5). Also called: EMERY-DREIFUSS MUSCULAR DYSTROPHY 5. Identifiers: Orphanet 261, MedGen C2751805, MONDO:0013072, OMIM 612999.

gnomAD v4.1: 1 of 1,614,006 alleles (0.000062%); highest among the groups gnomAD compares: African/African-American, 0.0013%; no homozygotes.

Submission:

Labcorp Genetics (formerly Invitae), Labcorp
Classification: Uncertain significance for Emery-Dreifuss muscular dystrophy 5, autosomal dominant. Last evaluated: 2024-04-15. Review status: criteria provided, single submitter. Criteria: Invitae Variant Classification Sherloc (09022015). Collection method: clinical testing. Allele origin: germline.
Comment: This sequence change replaces alanine, which is neutral and non-polar, with proline, which is neutral and non-polar, at codon 6814 of the SYNE2 protein (p.Ala6814Pro). This variant is present in population databases (no rsID available, gnomAD 0.007%). This variant has not been reported in the literature in individuals affected with SYNE2-related conditions. Algorithms developed to predict the effect of missense changes on protein structure and function output the following: SIFT: "Not Available"; PolyPhen-2: "Benign"; Align-GVGD: "Not Available". The proline amino acid residue is found in multiple mammalian species, which suggests that this missense change does not adversely affect protein function. In summary, the available evidence is currently insufficient to determine the role of this variant in disease. Therefore, it has been classified as a Variant of Uncertain Significance.

NM_182914.3(SYNE2):c.20440G>C (p.Ala6814Pro)

Gene: SYNE2 (spectrin repeat containing nuclear envelope protein 2; plus strand). Cytogenetic location: 14q23.2.
Variant type: single nucleotide variant.
Coding change: c.20440G>C on transcript NM_182914.3 (MANE Select); coding-DNA position 20440, G replaced by C.
Protein change: p.Ala6814Pro; replaces alanine 6814 with proline.
Molecular consequence: missense variant.
Genome position (GRCh38, 1-based): chr14:64,224,518, G>C. VCF-style: chr14-64224518-G-C. GRCh37 (hg19) VCF-style: chr14-64691236-G-C.
Other names: c.20371G>C, p.Ala6791Pro (NM_015180.6); c.1006G>C, p.Ala336Pro (NM_182910.2); c.1384G>C, p.Ala462Pro (NM_182913.4); short protein forms A336P, A462P, A6791P, A6814P.
Identifiers: ClinVar variation 3710477 (VCV003710477.2).